The following is an entry in ClinVar:

ClinVar aggregate classification (germline): Uncertain significance (1 of 4 stars; one submission).

Submission:

Labcorp Genetics (formerly Invitae), Labcorp
Classification: Uncertain significance. Last evaluated: 2022-09-27. Review status: criteria provided, single submitter. Criteria: Invitae Variant Classification Sherloc (09022015). Collection method: clinical testing. Allele origin: germline.
Comment: In summary, the available evidence is currently insufficient to determine the role of this variant in disease. Therefore, it has been classified as a Variant of Uncertain Significance. Experimental studies and prediction algorithms are not available or were not evaluated, and the functional significance of this variant is currently unknown. This variant has not been reported in the literature in individuals affected with ADGRV1-related conditions. This variant is present in population databases (no rsID available, gnomAD 0.0009%). This variant, c.16251_16253del, results in the deletion of 1 amino acid(s) of the ADGRV1 protein (p.Val5418del), but otherwise preserves the integrity of the reading frame.

NM_032119.4(ADGRV1):c.16248CGT[1] (p.Val5418del)

Gene: ADGRV1 (adhesion G protein-coupled receptor V1; plus strand). Cytogenetic location: 5q14.3.
Variant type: Microsatellite.
Coding change: c.16248CGT[1] on transcript NM_032119.4 (MANE Select); one copy of the 3-base unit CGT starting at c.16248; the reference has two copies in a row; one copy, 3 bases deleted.
Protein change: p.Val5418del; deletes valine 5418.
Molecular consequence: inframe deletion. On other transcripts: non-coding transcript variant (1).
Genome position (GRCh38, 1-based): chr5:90,823,479-90,823,481, CGT deleted; deleting any 3 consecutive bases within chr5:90,823,474-90,823,481 gives the same sequence; the position shown is the placement nearest the transcript's 3' end. VCF-style (leftmost placement, unchanged base first): chr5-90823473-AGTC-A. GRCh37 (hg19) VCF-style: chr5-90119290-AGTC-A.
Other names: short protein forms V5418del.
Identifiers: ClinVar variation 1399442 (VCV001399442.4), dbSNP rs1256370745, ClinGen allele CA561261487.